The following is an entry in ClinVar:

ClinVar aggregate classification (germline): Uncertain significance (1 of 4 stars; one submission).

Submission:

Labcorp Genetics (formerly Invitae), Labcorp
Classification: Uncertain significance. Last evaluated: 2022-06-28. Review status: criteria provided, single submitter. Criteria: Invitae Variant Classification Sherloc (09022015). Collection method: clinical testing. Allele origin: germline.
Comment: This sequence change replaces alanine, which is neutral and non-polar, with valine, which is neutral and non-polar, at codon 201 of the SLC19A2 protein (p.Ala201Val). This variant is not present in population databases (gnomAD no frequency). This missense change has been observed in individual(s) with thiamine-responsive megaloblastic anemia syndrome (PMID: 19643445). Advanced modeling of protein sequence and biophysical properties (such as structural, functional, and spatial information, amino acid conservation, physicochemical variation, residue mobility, and thermodynamic stability) performed at Invitae indicates that this missense variant is expected to disrupt SLC19A2 protein function. In summary, the available evidence is currently insufficient to determine the role of this variant in disease. Therefore, it has been classified as a Variant of Uncertain Significance.

Literature cited by the submitters: PubMed 19643445.

NM_006996.3(SLC19A2):c.602C>T (p.Ala201Val)

Gene: SLC19A2 (solute carrier family 19 member 2; minus strand). Cytogenetic location: 1q24.2.
Variant type: single nucleotide variant.
Coding change: c.602C>T on transcript NM_006996.3 (MANE Select); coding-DNA position 602, C replaced by T.
Protein change: p.Ala201Val; replaces alanine 201 with valine.
Molecular consequence: missense variant. On other transcripts: intron variant (1).
Genome position (GRCh38, 1-based): chr1:169,477,360, G>A on the plus strand (C>T on the coding strand, the complement: SLC19A2 is on the minus strand). VCF-style: chr1-169477360-G-A. GRCh37 (hg19) VCF-style: chr1-169446598-G-A.
Other names: c.205-7174C>T (NM_001319667.1); short protein forms A201V.
Identifiers: ClinVar variation 2202879 (VCV002202879.4), dbSNP rs552232941, ClinGen allele CA343110145.
Genomic context (GRCh38, chr1:169,477,360, plus strand): 5'-GGAATGTGGTGAAAGAAGAGGCTCTTCTGTGGCATAGGTAAAAACCAGGCCACAGCAAAA[G>A]CCACTGAAACACAGGTAAGAGAGATGACATTCAGGCTGAACAGCGACCAGCCTGCCACTG-3'
Protein context (NP_008927.1, residues 191-211): NVISLTCVSV[Ala201Val]FAVAWFLPMP